The following is an entry in ClinVar:

NM_001142864.4(PIEZO1):c.1340T>C (p.Leu447Pro)

Genes: HSALR1 (HSP90AB1 associated lncRNA 1; plus strand), PIEZO1 (piezo type mechanosensitive ion channel component 1 (Er blood group); minus strand). Cytogenetic location: 16q24.3.
Variant type: single nucleotide variant.
Coding change: c.1340T>C on transcript NM_001142864.4 (MANE Select); coding-DNA position 1340, T replaced by C.
Protein change: p.Leu447Pro; replaces leucine 447 with proline.
Molecular consequence: missense variant.
Genome position (GRCh38, 1-based): chr16:88,736,365, A>G on the plus strand (T>C on the coding strand, the complement: PIEZO1 is on the minus strand). VCF-style: chr16-88736365-A-G. GRCh37 (hg19) VCF-style: chr16-88802773-A-G.
Other names: short protein forms L447P.
Identifiers: ClinVar variation 5017413 (VCV005017413.1).

ClinVar aggregate classification (germline): Uncertain significance (1 of 4 stars; one submission).

Submission:

GeneDx
Classification: Uncertain significance. Last evaluated: 2026-03-24. Review status: criteria provided, single submitter. Criteria: GeneDx Variant Classification Process June 2021. Collection method: clinical testing. Allele origin: germline.
Comment: Not observed at significant frequency in large population cohorts (gnomAD); In silico analysis supports that this missense variant has a deleterious effect on protein structure/function; Has not been previously published as pathogenic or benign to our knowledge